The following is an entry in ClinVar:

NM_000465.4(BARD1):c.559C>T (p.Pro187Ser)

Gene: BARD1 (BRCA1 associated RING domain 1; minus strand). Cytogenetic location: 2q35.
Variant type: single nucleotide variant.
Coding change: c.559C>T on transcript NM_000465.4 (MANE Select); coding-DNA position 559, C replaced by T.
Protein change: p.Pro187Ser; replaces proline 187 with serine.
Molecular consequence: missense variant. On other transcripts: non-coding transcript variant (2), intron variant (3).
Genome position (GRCh38, 1-based): chr2:214,781,315, G>A on the plus strand (C>T on the coding strand, the complement: BARD1 is on the minus strand). VCF-style: chr2-214781315-G-A. GRCh37 (hg19) VCF-style: chr2-215646039-G-A.
Other names: c.559C>T (NM_000465.2); c.502C>T, p.Pro168Ser (NM_001282543.2); c.158+28097C>T (NM_001282548.2); c.215+15746C>T (NM_001282545.2); c.364+10982C>T (NM_001282549.2); short protein forms P187S, P168S.
Identifiers: ClinVar variation 663336 (VCV000663336.12), dbSNP rs1574820873, ClinGen allele CA350457389.

ClinVar aggregate classification (germline): Uncertain significance. Review status: criteria provided, multiple submitters, no conflicts (2 of 4 stars). 2 submissions from 2 submitters: Uncertain significance (2). Last evaluated 2025-04-20.

Conditions:
Hereditary cancer-predisposing syndrome. Also called: Neoplastic Syndromes, Hereditary; Tumor predisposition; Hereditary neoplastic syndrome; Hereditary Cancer Syndrome. Identifiers: Orphanet 140162, MedGen C0027672, MeSH D009386, MONDO:0015356.
Familial cancer of breast. Also called: BREAST CANCER, FAMILIAL; hereditary breast carcinoma; Hereditary breast cancer. Identifiers: Orphanet 227535, MedGen C0346153, MONDO:0016419, OMIM 114480. Disease mechanism: loss of function.

Allele frequency attached by ClinVar (database versions not stated): gnomAD exomes below 0.00001.
gnomAD v4.1: 1 of 1,612,690 alleles (0.000062%); highest among the groups gnomAD compares: South Asian, 0.0011%; no homozygotes.

Submissions (2):

Labcorp Genetics (formerly Invitae), Labcorp
Classification: Uncertain significance for Familial cancer of breast. Last evaluated: 2025-04-20. Review status: criteria provided, single submitter. Criteria: Invitae Variant Classification Sherloc (09022015). Collection method: clinical testing. Allele origin: germline.
Comment: This sequence change replaces proline, which is neutral and non-polar, with serine, which is neutral and polar, at codon 187 of the BARD1 protein (p.Pro187Ser). This variant is not present in population databases (gnomAD no frequency). This variant has not been reported in the literature in individuals affected with BARD1-related conditions. ClinVar contains an entry for this variant (Variation ID: 663336). An algorithm developed to predict the effect of missense changes on protein structure and function (PolyPhen-2) suggests that this variant is likely to be disruptive. In summary, the available evidence is currently insufficient to determine the role of this variant in disease. Therefore, it has been classified as a Variant of Uncertain Significance.

Ambry Genetics
Classification: Uncertain significance for Hereditary cancer-predisposing syndrome. Last evaluated: 2025-04-17. Review status: criteria provided, single submitter. Criteria: Ambry Variant Classification Scheme 2023. Collection method: clinical testing. Allele origin: germline.
Comment: The p.P187S variant (also known as c.559C>T), located in coding exon 4 of the BARD1 gene, results from a C to T substitution at nucleotide position 559. The proline at codon 187 is replaced by serine, an amino acid with similar properties. This amino acid position is conserved. In addition, this alteration is predicted to be tolerated by in silico analysis. Based on the available evidence, the clinical significance of this variant remains unclear.